The following is an entry in ClinVar:

NM_015602.4(TOR1AIP1):c.1613T>A (p.Val538Asp)

Gene: TOR1AIP1 (torsin 1A interacting protein 1; plus strand). Cytogenetic location: 1q25.2.
Variant type: single nucleotide variant.
Coding change: c.1613T>A on transcript NM_015602.4 (MANE Select); coding-DNA position 1613, T replaced by A.
Protein change: p.Val538Asp; replaces valine 538 with aspartic acid.
Molecular consequence: missense variant.
Genome position (GRCh38, 1-based): chr1:179,918,100, T>A. VCF-style: chr1-179918100-T-A. GRCh37 (hg19) VCF-style: chr1-179887235-T-A.
Other names: c.1616T>A, p.Val539Asp (NM_001267578.2); short protein forms V538D, V539D.
Identifiers: ClinVar variation 1497536 (VCV001497536.6), dbSNP rs774345665, ClinGen allele CA1269164.

ClinVar aggregate classification (germline): Uncertain significance (1 of 4 stars; one submission).

Conditions:
Autosomal recessive limb-girdle muscular dystrophy type 2Y (MRRSDC). Also called: Muscular dystrophy, autosomal recessive, with rigid spine and distal joint contractures; Muscular dystrophy, limb-girdle, type 2y. Identifiers: Orphanet 424261, MedGen C4511482, MONDO:0014900, OMIM 617072.

Allele frequency attached by ClinVar (database versions not stated): gnomAD exomes below 0.00001 and 0.00001; ExAC 0.00001.
gnomAD v4.1: 4 of 1,614,112 alleles (0.00025%); highest among the groups gnomAD compares: Admixed American, 0.0033%; no homozygotes.

Submission:

Labcorp Genetics (formerly Invitae), Labcorp
Classification: Uncertain significance for Autosomal recessive limb-girdle muscular dystrophy type 2Y. Last evaluated: 2021-12-07. Review status: criteria provided, single submitter. Criteria: Invitae Variant Classification Sherloc (09022015). Collection method: clinical testing. Allele origin: germline.
Comment: This variant is present in population databases (rs774345665, gnomAD 0.003%). In summary, the available evidence is currently insufficient to determine the role of this variant in disease. Therefore, it has been classified as a Variant of Uncertain Significance. Algorithms developed to predict the effect of missense changes on protein structure and function are either unavailable or do not agree on the potential impact of this missense change (SIFT: "Tolerated"; PolyPhen-2: "Probably Damaging"; Align-GVGD: "Class C0"). This variant has not been reported in the literature in individuals affected with TOR1AIP1-related conditions. This sequence change replaces valine, which is neutral and non-polar, with aspartic acid, which is acidic and polar, at codon 539 of the TOR1AIP1 protein (p.Val539Asp).